The following is an entry in ClinVar:

NM_001042492.3(NF1):c.97A>T (p.Lys33Ter)

Gene: NF1 (neurofibromin 1; plus strand). Cytogenetic location: 17q11.2.
Variant type: single nucleotide variant.
Coding change: c.97A>T on transcript NM_001042492.3 (MANE Select); coding-DNA position 97, A replaced by T.
Protein change: p.Lys33Ter; replaces lysine 33 with a stop codon.
Molecular consequence: nonsense.
Genome position (GRCh38, 1-based): chr17:31,156,019, A>T. VCF-style: chr17-31156019-A-T. GRCh37 (hg19) VCF-style: chr17-29483037-A-T.
Other names: c.97A>T, p.Lys33Ter (NM_000267.4, NM_001128147.3); short protein forms K33*.
Identifiers: ClinVar variation 666183 (VCV000666183.1), dbSNP rs1060500324, ClinGen allele CA398988210.
Genomic context (GRCh38, chr17:31,156,019, plus strand): 5'-GTTTTTTTTTTCTTTTTTTTTCAGCTTCCAATAAAAACAGGACAGCAGAACACACATACC[A>T]AAGTCAGTACTGAGCACAACAAGGAATGTCTAATCAATATTTCCAAATACAAGTTTTCTT-3'

ClinVar aggregate classification (germline): Pathogenic (1 of 4 stars; one submission).

Conditions:
Neurofibromatosis, type 1 (NF1). Also called: VON RECKLINGHAUSEN DISEASE; NEUROFIBROMATOSIS, TYPE I, SOMATIC; Peripheral type neurofibromatosis; Neurofibromatosis, type I. Identifiers: Orphanet 636, MedGen C0027831, MONDO:0018975, OMIM 162200. Disease mechanism: loss of function.

Allele frequency attached by ClinVar (database versions not stated): gnomAD exomes below 0.00001.

Submission:

Labcorp Genetics (formerly Invitae), Labcorp
Classification: Pathogenic for Neurofibromatosis, type 1. Last evaluated: 2018-08-16. Review status: criteria provided, single submitter. Criteria: Invitae Variant Classification Sherloc (09022015). Collection method: clinical testing. Allele origin: germline.
Comment: This sequence change creates a premature translational stop signal (p.Lys33*) in the NF1 gene. It is expected to result in an absent or disrupted protein product. This variant is not present in population databases (ExAC no frequency). This variant has not been reported in the literature in individuals with NF1-related disease. Loss-of-function variants in NF1 are known to be pathogenic (PMID: 10712197, 23913538). For these reasons, this variant has been classified as Pathogenic.